The following is an entry in ClinVar:

NM_001369268.1(ACAN):c.7142A>C (p.Asp2381Ala)

Gene: ACAN (aggrecan; plus strand). Cytogenetic location: 15q26.1.
Variant type: single nucleotide variant.
Coding change: c.7142A>C on transcript NM_001369268.1 (MANE Select); coding-DNA position 7142, A replaced by C.
Protein change: p.Asp2381Ala; replaces aspartic acid 2381 with alanine.
Molecular consequence: missense variant.
Genome position (GRCh38, 1-based): chr15:88,871,463, A>C. VCF-style: chr15-88871463-A-C. GRCh37 (hg19) VCF-style: chr15-89414694-A-C.
Other names: c.6914A>C, p.Asp2305Ala (NM_001135.4, NM_001411096.1); c.7028A>C, p.Asp2343Ala (NM_001411097.1, NM_013227.4); short protein forms D2305A, D2343A, D2381A.
Identifiers: ClinVar variation 5009261 (VCV005009261.1).

ClinVar aggregate classification (germline): Uncertain significance (1 of 4 stars; one submission).

Submission:

GeneDx
Classification: Uncertain significance. Last evaluated: 2026-03-15. Review status: criteria provided, single submitter. Criteria: GeneDx Variant Classification Process June 2021. Collection method: clinical testing. Allele origin: germline.
Comment: Not observed at significant frequency in large population cohorts (gnomAD); In silico analysis supports that this missense variant has a deleterious effect on protein structure/function; Has not been previously published as pathogenic or benign to our knowledge